The following is an entry in ClinVar:

ClinVar aggregate classification (germline): Uncertain significance (1 of 4 stars; one submission).

Conditions:
Combined oxidative phosphorylation defect type 17. Also called: Combined oxidative phosphorylation deficiency 17. Identifiers: Orphanet 369913, MedGen C3809526, MONDO:0014190, OMIM 615440.

gnomAD v4.1: 2 of 1,612,980 alleles (0.00012%); highest among the groups gnomAD compares: Non-Finnish European, 0.00017%; no homozygotes.

Submission:

Labcorp Genetics (formerly Invitae), Labcorp
Classification: Uncertain significance for Combined oxidative phosphorylation defect type 17. Last evaluated: 2022-03-27. Review status: criteria provided, single submitter. Criteria: Invitae Variant Classification Sherloc (09022015). Collection method: clinical testing. Allele origin: germline.
Comment: In summary, the available evidence is currently insufficient to determine the role of this variant in disease. Therefore, it has been classified as a Variant of Uncertain Significance. Algorithms developed to predict the effect of missense changes on protein structure and function (SIFT, PolyPhen-2, Align-GVGD) all suggest that this variant is likely to be tolerated. This variant has not been reported in the literature in individuals affected with ELAC2-related conditions. This variant is not present in population databases (gnomAD no frequency). This sequence change replaces phenylalanine, which is neutral and non-polar, with leucine, which is neutral and non-polar, at codon 80 of the ELAC2 protein (p.Phe80Leu).

NM_018127.7(ELAC2):c.240C>G (p.Phe80Leu)

Gene: ELAC2 (elaC ribonuclease Z 2; minus strand). Cytogenetic location: 17p12.
Variant type: single nucleotide variant.
Coding change: c.240C>G on transcript NM_018127.7 (MANE Select); coding-DNA position 240, C replaced by G.
Protein change: p.Phe80Leu; replaces phenylalanine 80 with leucine.
Molecular consequence: missense variant.
Genome position (GRCh38, 1-based): chr17:13,017,708, G>C on the plus strand (C>G on the coding strand, the complement: ELAC2 is on the minus strand). VCF-style: chr17-13017708-G-C. GRCh37 (hg19) VCF-style: chr17-12921025-G-C.
Other names: c.240C>G, p.Phe80Leu (NM_001165962.2, NM_173717.2); short protein forms F80L.
Identifiers: ClinVar variation 1374962 (VCV001374962.4), dbSNP rs764484752, ClinGen allele CA398218885.